The following is an entry in ClinVar:

NM_022772.4(EPS8L2):c.1317dup (p.Leu440fs)

Gene: EPS8L2 (EPS8 signaling adaptor L2; plus strand). Cytogenetic location: 11p15.5.
Variant type: Duplication.
Coding change: c.1317dup on transcript NM_022772.4 (MANE Select); coding-DNA position 1317, one base duplicated (G; older notation c.1317dupG).
Protein change: p.Leu440fs; shifts the reading frame from leucine 440.
Molecular consequence: frameshift variant.
Genome position (GRCh38, 1-based): chr11:722,781, G duplicated; the last of 4 consecutive G bases (chr11:722,778-722,781); duplicating any one gives the same sequence. VCF-style (leftmost placement, unchanged base first): chr11-722777-A-AG. GRCh37 (hg19) VCF-style: chr11-722777-A-AG.
Other names: c.1317dupG (NM_022772.4); short protein forms L440fs.
Identifiers: ClinVar variation 3601079 (VCV003601079.3).

ClinVar aggregate classification (germline): Conflicting classifications of pathogenicity. Review status: criteria provided, conflicting classifications (1 of 4 stars). 2 submissions from 2 submitters: Likely pathogenic (1); Uncertain significance (1). Last evaluated 2025-01-09.

Conditions:
Hearing loss, autosomal recessive 106. Also called: DEAFNESS, AUTOSOMAL RECESSIVE 106. Identifiers: MedGen C4539954, MONDO:0033198, OMIM 617637.

Submissions (2):

Institute of Rare Diseases, West China Hospital, Sichuan University
Classification: Likely pathogenic for Hearing loss, autosomal recessive 106. Last evaluated: 2025-01-09. Review status: criteria provided, single submitter. Criteria: ClinGen HL ACMG Specifications v1. Collection method: research. Allele origin: germline. Affected: yes.
Comment: PVS1;PM2_Supporting

Juno Genomics, Hangzhou Juno Genomics, Inc
Classification: Uncertain significance for Hearing loss, autosomal recessive 106. Review status: criteria provided, single submitter. Criteria: ACMG Guidelines, 2015. Collection method: clinical testing. Allele origin: germline.
Comment: Null variant in a gene where loss of function (LOF) is a known mechanism of disease.;Absent from controls (or at extremely low frequency if recessive) in Genome Aggregation Database.